The following is an entry in ClinVar:

NM_015506.3(MMACHC):c.254A>C (p.Tyr85Ser)

Gene: MMACHC (metabolism of cobalamin associated C; plus strand). Cytogenetic location: 1p34.1.
Variant type: single nucleotide variant.
Coding change: c.254A>C on transcript NM_015506.3 (MANE Select); coding-DNA position 254, A replaced by C.
Protein change: p.Tyr85Ser; replaces tyrosine 85 with serine.
Molecular consequence: missense variant.
Genome position (GRCh38, 1-based): chr1:45,507,528, A>C. VCF-style: chr1-45507528-A-C. GRCh37 (hg19) VCF-style: chr1-45973200-A-C.
Other names: c.83A>C, p.Tyr28Ser (NM_001330540.2); c.254A>C (NM_015506.2); short protein forms Y28S, Y85S.
Identifiers: ClinVar variation 1922914 (VCV001922914.3), dbSNP rs1557607416, ClinGen allele CA340132032.

ClinVar aggregate classification (germline): Uncertain significance. Review status: criteria provided, multiple submitters, no conflicts (2 of 4 stars). 2 submissions from 2 submitters: Uncertain significance (2). Last evaluated 2025-12-03.

Conditions:
Inborn genetic diseases. Identifiers: MedGen C0950123, MeSH D030342.
Cobalamin C disease. Also called: Methylmalonic aciduria and homocystinuria, Vitamin B12-responsive; Vitamin B12 metabolic defect with combined deficiency of methylmalonyl-CoA mutase and homocysteine:methyltetrahydrofolate methyltransferase; Methylmalonic aciduria with homocystinuria cblC type; Cobalamin-C methylmalonic acidemia and homocystinuria; Methylmalonic acidemia and homocystinuria cblC type; methylmalonic aciduria and homocystinuria type cblC. Identifiers: Orphanet 26, Orphanet 79282, MedGen C1848561, MONDO:0010184, OMIM 277400.

Allele frequency attached by ClinVar (database versions not stated): gnomAD exomes below 0.00001.

Submissions (2):

Ambry Genetics
Classification: Uncertain significance for Inborn genetic diseases. Last evaluated: 2025-12-03. Review status: criteria provided, single submitter. Criteria: Ambry Variant Classification Scheme 2023. Collection method: clinical testing. Allele origin: germline.

Labcorp Genetics (formerly Invitae), Labcorp
Classification: Uncertain significance for Cobalamin C disease. Last evaluated: 2021-09-03. Review status: criteria provided, single submitter. Criteria: Invitae Variant Classification Sherloc (09022015). Collection method: clinical testing. Allele origin: germline.
Comment: This sequence change replaces tyrosine with serine at codon 85 of the MMACHC protein (p.Tyr85Ser). The tyrosine residue is moderately conserved and there is a large physicochemical difference between tyrosine and serine. This variant is not present in population databases (ExAC no frequency). This variant has not been reported in the literature in individuals affected with MMACHC-related conditions. Advanced modeling of protein sequence and biophysical properties (such as structural, functional, and spatial information, amino acid conservation, physicochemical variation, residue mobility, and thermodynamic stability) performed at Invitae indicates that this missense variant is not expected to disrupt MMACHC protein function. In summary, the available evidence is currently insufficient to determine the role of this variant in disease. Therefore, it has been classified as a Variant of Uncertain Significance.